The following is an entry in ClinVar:

ClinVar aggregate classification (germline): Pathogenic/Likely pathogenic. Review status: no assertion criteria provided (0 of 4 stars). 2 submissions from 2 submitters: Pathogenic (1); Likely pathogenic (1). Last evaluated 2024-07-28.

Conditions:
ALG11-related disorder. Also called: ALG11-related condition.
ALG11-congenital disorder of glycosylation. Also called: CONGENITAL DISORDER OF GLYCOSYLATION, TYPE Ip; ALG11-CDG. Identifiers: Orphanet 280071, MedGen C3150913, MONDO:0013349, OMIM 613661.

Allele frequency attached by ClinVar (database versions not stated): gnomAD exomes 0.00001.

Submissions (2):

PreventionGenetics, part of Exact Sciences
Classification: Likely pathogenic for ALG11-related condition. Last evaluated: 2024-07-28. Review status: no assertion criteria provided. Collection method: clinical testing. Allele origin: germline.
Comment: The ALG11 c.836A>C variant is predicted to result in the amino acid substitution p.Tyr279Ser. This variant was reported in the compound heterozygous state with a pathogenic variant in an individual with congenital disorder of glycosylation 1p (Thiel et al. 2012. PubMed ID: 22213132). Analysis of the patient's fibroblasts revealed normal mRNA levels and reduced ALG11 protein level to about 20% of the controls (Sakson et al. 2024. PubMed ID: 38256263). This variant has not been reported in a large population database, indicating this variant is rare. This variant is interpreted as likely pathogenic.

OMIM
Classification: Pathogenic for CONGENITAL DISORDER OF GLYCOSYLATION, TYPE Ip. Last evaluated: 2012-03-01. Review status: no assertion criteria provided. Collection method: literature only. Allele origin: germline.

Literature cited by the submitters: PubMed 22213132 (cited by OMIM).

NM_001004127.3(ALG11):c.836A>C (p.Tyr279Ser)

Gene: ALG11 (ALG11 alpha-1,2-mannosyltransferase; plus strand). Cytogenetic location: 13q14.3.
Variant type: single nucleotide variant.
Coding change: c.836A>C on transcript NM_001004127.3 (MANE Select); coding-DNA position 836, A replaced by C.
Protein change: p.Tyr279Ser; replaces tyrosine 279 with serine.
Molecular consequence: missense variant.
Genome position (GRCh38, 1-based): chr13:52,024,566, A>C. VCF-style: chr13-52024566-A-C. GRCh37 (hg19) VCF-style: chr13-52598702-A-C.
Other names: c.836A>C (NM_001004127.2); short protein forms Y279S.
Identifiers: ClinVar variation 31644 (VCV000031644.2), dbSNP rs387907181, ClinGen allele CA260041.